The following is an entry in ClinVar:

ClinVar aggregate classification (germline): Uncertain significance (1 of 4 stars; one submission).

Allele frequency attached by ClinVar (database versions not stated): ExAC 0.00004; gnomAD 0.00005; ESP Exome Variant Server 0.00008; TOPMed 0.00005; gnomAD exomes below 0.00001.
gnomAD v4.1: 11 of 1,604,506 alleles (0.00069%); highest among the groups gnomAD compares: African/African-American, 0.013%; no homozygotes.

Submission:

Labcorp Genetics (formerly Invitae), Labcorp
Classification: Uncertain significance. Last evaluated: 2025-06-12. Review status: criteria provided, single submitter. Criteria: Invitae Variant Classification Sherloc (09022015). Collection method: clinical testing. Allele origin: germline.
Comment: This sequence change replaces glutamic acid, which is acidic and polar, with aspartic acid, which is acidic and polar, at codon 1198 of the LAMA5 protein (p.Glu1198Asp). This variant is present in population databases (rs142429982, gnomAD 0.03%). This variant has not been reported in the literature in individuals affected with LAMA5-related conditions. ClinVar contains an entry for this variant (Variation ID: 2720795). An algorithm developed to predict the effect of missense changes on protein structure and function (PolyPhen-2) suggests that this variant is likely to be disruptive. In summary, the available evidence is currently insufficient to determine the role of this variant in disease. Therefore, it has been classified as a Variant of Uncertain Significance.

NM_005560.6(LAMA5):c.3594G>C (p.Glu1198Asp)

Gene: LAMA5 (laminin subunit alpha 5; minus strand). Cytogenetic location: 20q13.33.
Variant type: single nucleotide variant.
Coding change: c.3594G>C on transcript NM_005560.6 (MANE Select); coding-DNA position 3594, G replaced by C.
Protein change: p.Glu1198Asp; replaces glutamic acid 1198 with aspartic acid.
Molecular consequence: missense variant.
Genome position (GRCh38, 1-based): chr20:62,331,088, C>G on the plus strand (G>C on the coding strand, the complement: LAMA5 is on the minus strand). VCF-style: chr20-62331088-C-G. GRCh37 (hg19) VCF-style: chr20-60906144-C-G.
Other names: short protein forms E1198D.
Identifiers: ClinVar variation 2720795 (VCV002720795.3), dbSNP rs142429982, ClinGen allele CA9942927.